The following is an entry in ClinVar:

ClinVar aggregate classification (germline): Uncertain significance (0 of 4 stars; one submission).

Conditions:
KCNT2-related disorder. Also called: KCNT2-related condition. Identifiers: MedGen CN236796.

Submission:

PreventionGenetics, part of Exact Sciences
Classification: Uncertain significance for KCNT2-related condition. Last evaluated: 2024-01-03. Review status: no assertion criteria provided. Collection method: clinical testing. Allele origin: germline.
Comment: The KCNT2 c.2219G>A variant is predicted to result in the amino acid substitution p.Arg740Lys. To our knowledge, this variant has not been reported in the literature or in a large population database, indicating this variant is rare. At this time, the clinical significance of this variant is uncertain due to the absence of conclusive functional and genetic evidence.

NM_198503.5(KCNT2):c.2219G>A (p.Arg740Lys)

Gene: KCNT2 (potassium sodium-activated channel subfamily T member 2; minus strand). Cytogenetic location: 1q31.3.
Variant type: single nucleotide variant.
Coding change: c.2219G>A on transcript NM_198503.5 (MANE Select); coding-DNA position 2219, G replaced by A.
Protein change: p.Arg740Lys; replaces arginine 740 with lysine.
Molecular consequence: missense variant. On other transcripts: non-coding transcript variant (2).
Genome position (GRCh38, 1-based): chr1:196,326,774, C>T on the plus strand (G>A on the coding strand, the complement: KCNT2 is on the minus strand). VCF-style: chr1-196326774-C-T. GRCh37 (hg19) VCF-style: chr1-196295904-C-T.
Other names: c.2219G>A, p.Arg740Lys (NM_001287819.3); c.2069G>A, p.Arg690Lys (NM_001287820.3); short protein forms R690K, R740K.
Identifiers: ClinVar variation 3040844 (VCV003040844.2), dbSNP rs2526804044, ClinGen allele CA343976600.